The following is an entry in ClinVar:

ClinVar aggregate classification (germline): Uncertain significance. Review status: criteria provided, multiple submitters, no conflicts (2 of 4 stars). 5 submissions from 5 submitters: Uncertain significance (5). Last evaluated 2025-11-18.

Conditions:
Cardiovascular phenotype. Identifiers: MedGen CN230736.
Catecholaminergic polymorphic ventricular tachycardia (CVPT). Also called: Catecholamine-induced polymorphic ventricular tachycardia. Identifiers: Orphanet 3286, MedGen C5574922, MONDO:0017990.
Cardiomyopathy (CMYO). Also called: Cardiomyopathies. Identifiers: Orphanet 167848, MedGen C0878544, MONDO:0004994, HP:0001638. Inheritance: Various modes of inheritance.
Catecholaminergic polymorphic ventricular tachycardia 1. Also called: VENTRICULAR TACHYCARDIA, CATECHOLAMINERGIC POLYMORPHIC, 1, WITH OR WITHOUT ATRIAL DYSFUNCTION AND/OR DILATED CARDIOMYOPATHY; RYR2-Related Catecholaminergic Polymorphic Ventricular Tachycardia; VENTRICULAR TACHYCARDIA, STRESS-INDUCED POLYMORPHIC 1. Identifiers: Orphanet 3286, MedGen C1631597, MONDO:0011484, OMIM 604772.

Allele frequency attached by ClinVar (database versions not stated): gnomAD exomes below 0.00001 and 0.00001; ExAC 0.00001; TOPMed 0.00001.
gnomAD v4.1: 6 of 1,613,052 alleles (0.00037%); highest among the groups gnomAD compares: Non-Finnish European, 0.00051%; no homozygotes.

Submissions (5):

Labcorp Genetics (formerly Invitae), Labcorp
Classification: Uncertain significance for Catecholaminergic polymorphic ventricular tachycardia 1. Last evaluated: 2025-11-18. Review status: criteria provided, single submitter. Criteria: Invitae Variant Classification Sherloc (09022015). Collection method: clinical testing. Allele origin: germline.
Comment: This sequence change replaces glycine, which is neutral and non-polar, with serine, which is neutral and polar, at codon 3788 of the RYR2 protein (p.Gly3788Ser). This variant is present in population databases (rs775471018, gnomAD 0.0009%). This variant has not been reported in the literature in individuals affected with RYR2-related conditions. ClinVar contains an entry for this variant (Variation ID: 1172465). Invitae Evidence Modeling of protein sequence and biophysical properties (such as structural, functional, and spatial information, amino acid conservation, physicochemical variation, residue mobility, and thermodynamic stability) indicates that this missense variant is not expected to disrupt RYR2 protein function with a negative predictive value of 95%. In summary, the available evidence is currently insufficient to determine the role of this variant in disease. Therefore, it has been classified as a Variant of Uncertain Significance.

Molecular Diagnostic Laboratory for Inherited Cardiovascular Disease, Montreal Heart Institute
Classification: Uncertain significance for Cardiovascular phenotype. Last evaluated: 2025-04-09. Review status: criteria provided, single submitter. Criteria: ACMG Guidelines, 2015. Collection method: clinical testing. Allele origin: germline. Affected: yes.
Comment: PM1, PM2, PP2, PP3, BP5

Color Diagnostics, LLC DBA Color Health
Classification: Uncertain significance for Cardiomyopathy. Last evaluated: 2024-03-06. Review status: criteria provided, single submitter. Criteria: ACMG Guidelines, 2015. Collection method: clinical testing. Allele origin: germline.
Comment: This missense variant replaces glycine with serine at codon 3788 of the RYR2 protein. Computational prediction suggests that this variant may have deleterious impact on protein structure and function (internally defined REVEL score threshold >= 0.7, PMID: 27666373). To our knowledge, functional studies have not been reported for this variant. This variant has not been reported in individuals affected with RYR2-related disorders in the literature. This variant has been identified in 1/248810 chromosomes in the general population by the Genome Aggregation Database (gnomAD). The available evidence is insufficient to determine the role of this variant in disease conclusively. Therefore, this variant is classified as a Variant of Uncertain Significance.

All of Us Research Program, National Institutes of Health
Classification: Uncertain significance for Catecholaminergic polymorphic ventricular tachycardia. Last evaluated: 2023-10-23. Review status: criteria provided, single submitter. Criteria: ACMG Guidelines, 2015. Collection method: clinical testing. Allele origin: germline. Inheritance: Autosomal dominant inheritance. Observed: 2 variant alleles, 2 heterozygotes.
Comment: This variant changes glycine with serine at codon 3788 of the RYR2 protein. Computational prediction suggests that this variant may have deleterious impact on protein structure and function (internally defined REVEL score threshold >= 0.7, PMID: 27666373). To our knowledge, functional studies have not been reported for this variant. This variant has not been reported in individuals affected with cardiovascular disorders in the literature. This variant has been identified in 1/248810 chromosomes in the general population by the Genome Aggregation Database (gnomAD). The available evidence is insufficient to determine the role of this variant in disease conclusively. Therefore, this variant is classified as a Variant of Uncertain Significance.

This study involves interpretation of variants in research participants for the purpose of population health screening. Participant phenotype was not available at the time of variant classification. Additional details can be found in publication PMID: 35346344, PMCID: PMC8962531

Blueprint Genetics
Classification: Uncertain significance. Last evaluated: 2021-10-14. Review status: criteria provided, single submitter. Criteria: ACMG Guidelines, 2015. Collection method: clinical testing. Allele origin: germline.

NM_001035.3(RYR2):c.11362G>A (p.Gly3788Ser)

Gene: RYR2 (ryanodine receptor 2; plus strand). Cytogenetic location: 1q43.
Variant type: single nucleotide variant.
Coding change: c.11362G>A on transcript NM_001035.3 (MANE Select); coding-DNA position 11362, G replaced by A.
Protein change: p.Gly3788Ser; replaces glycine 3788 with serine.
Molecular consequence: missense variant.
Genome position (GRCh38, 1-based): chr1:237,759,812, G>A. VCF-style: chr1-237759812-G-A. GRCh37 (hg19) VCF-style: chr1-237923112-G-A.
Other names: c.11362G>A (NM_001035.2); short protein forms G3788S.
Identifiers: ClinVar variation 1172465 (VCV001172465.14), dbSNP rs775471018, ClinGen allele CA065530.